The following is an entry in ClinVar:

ClinVar aggregate classification (germline): Uncertain significance (1 of 4 stars; one submission).

Conditions:
Brugada syndrome 5 (BRGDA5). Identifiers: Orphanet 130, Orphanet 871, MedGen C2748541, MONDO:0013015, OMIM 612838.

Submission:

Labcorp Genetics (formerly Invitae), Labcorp
Classification: Uncertain significance for Brugada syndrome 5. Last evaluated: 2023-09-04. Review status: criteria provided, single submitter. Criteria: Invitae Variant Classification Sherloc (09022015). Collection method: clinical testing. Allele origin: germline.
Comment: In summary, the available evidence is currently insufficient to determine the role of this variant in disease. Therefore, it has been classified as a Variant of Uncertain Significance. Experimental studies and prediction algorithms are not available or were not evaluated, and the functional significance of this variant is currently unknown. This variant has not been reported in the literature in individuals affected with SCN1B-related conditions. This variant is not present in population databases (gnomAD no frequency). This sequence change replaces leucine, which is neutral and non-polar, with phenylalanine, which is neutral and non-polar, at codon 174 of the SCN1B protein (p.Leu174Phe). The SCN1B gene has multiple clinically relevant transcripts. This variant occurs in alternate transcript NM_001037.5, and corresponds to NM_199037.3:c.*5090C>T in the primary transcript.

NM_001037.5(SCN1B):c.520C>T (p.Leu174Phe)

Gene: SCN1B (sodium voltage-gated channel beta subunit 1; plus strand). Cytogenetic location: 19q13.11.
Variant type: single nucleotide variant.
Coding change: c.520C>T on transcript NM_001037.5 (MANE Select); coding-DNA position 520, C replaced by T.
Protein change: p.Leu174Phe; replaces leucine 174 with phenylalanine.
Molecular consequence: missense variant.
Genome position (GRCh38, 1-based): chr19:35,039,188, C>T. VCF-style: chr19-35039188-C-T. GRCh37 (hg19) VCF-style: chr19-35530092-C-T.
Other names: c.421C>T, p.Leu141Phe (NM_001321605.2); short protein forms L174F, L141F.
Identifiers: ClinVar variation 2757849 (VCV002757849.3), dbSNP rs2514240922, ClinGen allele CA405330048.